The following is an entry in ClinVar:

ClinVar aggregate classification (germline): Pathogenic/Likely pathogenic. Review status: criteria provided, multiple submitters, no conflicts (2 of 4 stars). 3 submissions from 3 submitters: Pathogenic (2); Likely pathogenic (1). Last evaluated 2026-01-26.

Conditions:
Polycystic kidney disease, adult type (PKD1). Also called: Polycystic Kidney Disease 1, Autosomal Dominant; Polycystic kidney disease 1; Polycystic kidney disease 1, severe; POLYCYSTIC KIDNEY DISEASE 1 WITH OR WITHOUT POLYCYSTIC LIVER DISEASE; POLYCYSTIC KIDNEY DISEASE, ADULT, TYPE I; Polycystic Kidney, Autosomal Dominant. Identifiers: MedGen C3149841, MONDO:0008263, OMIM 173900.

Submissions (3):

Medical and Scientific Branch, Hong Kong Genome Institute
Classification: Likely pathogenic for Polycystic kidney disease, adult type. Last evaluated: 2026-01-26. Review status: criteria provided, single submitter. Criteria: ACMG Guidelines, 2015. Collection method: clinical testing. Allele origin: unknown. Affected: yes.

GeneDx
Classification: Pathogenic. Last evaluated: 2025-04-25. Review status: criteria provided, single submitter. Criteria: GeneDx Variant Classification Process June 2021. Collection method: clinical testing. Allele origin: germline. Affected: yes.
Comment: Reported in a fetus with polycystic kidney disease in published literature (PMID: 35478332); clinical information is limited; Nonsense variant predicted to result in protein truncation or nonsense mediated decay in a gene for which loss of function is a known mechanism of disease; Not observed at significant frequency in large population cohorts (gnomAD); This variant is associated with the following publications: (PMID: 35478332)

Victorian Clinical Genetics Services, Murdoch Childrens Research Institute
Classification: Pathogenic for Polycystic kidney disease, adult type. Last evaluated: 2023-07-16. Review status: criteria provided, single submitter. Criteria: ACMG Guidelines, 2015. Collection method: clinical testing. Allele origin: germline. Inheritance: Autosomal dominant inheritance. Affected: yes.
Comment: Based on the classification scheme VCGS_Germline_v1.3.4, this variant is classified as Pathogenic. Following criteria are met: 0102 - Loss of function is a known mechanism of disease in this gene and is associated with polycystic kidney disease 1 (MIM#173900). (I) 0107 - This gene is associated with autosomal dominant disease. Polycystic kidney disease 1 (MIM#173900) is predominantly caused by monoallelic variants, with rare reports of biallelic variants causing disease (OMIM). (I) 0201 - Variant is predicted to cause nonsense-mediated decay (NMD) and loss of protein (premature termination codon is located at least 54 nucleotides upstream of the final exon-exon junction). (SP) 0251 - This variant is heterozygous. (I) 0301 - Variant is absent from gnomAD (both v2 and v3). (SP) 0701 - Other NMD-predicted variants comparable to the one identified in this case have very strong previous evidence for pathogenicity (ClinVar). (SP) 0803 - This variant has limited previous evidence of pathogenicity in an unrelated individual. This variant has been classified as pathogenic by a clinical laboratory in the Polycystic Kidney Disease Variant Database. (SP) 0905 - No published segregation evidence has been identified for this variant. (I) 1007 - No published functional evidence has been identified for this variant. (I) 1208 - Inheritance information for this variant is not currently available in this individual. (I) Legend: (SP) - Supporting pathogenic, (I) - Information, (SB) - Supporting benign

NM_001009944.3(PKD1):c.341_345del (p.Asn113_Leu114insTer)

Gene: PKD1 (polycystin 1, transient receptor potential channel interacting; minus strand). Cytogenetic location: 16p13.3.
Variant type: Deletion.
Coding change: c.341_345del on transcript NM_001009944.3 (MANE Select); coding-DNA positions 341 to 345, 5 bases deleted (TATTT; older notation c.341_345delTATTT).
Protein change: p.Asn113_Leu114insTer.
Molecular consequence: nonsense. On other transcripts: frameshift variant (2).
Genome position (GRCh38, 1-based): chr16:2,119,128-2,119,132, AAATA deleted on the plus strand (TATTT on the coding strand, the reverse complement: PKD1 is on the minus strand); deleting any 5 consecutive bases within chr16:2,119,128-2,119,134 gives the same sequence; the c. name uses the placement nearest the transcript's 3' end. VCF-style (leftmost placement, unchanged base first): chr16-2119127-TAAATA-T. GRCh37 (hg19) VCF-style: chr16-2169128-TAAATA-T.
Other names: c.341_345del, p.Asn113_Leu114insTer (NM_000296.4); c.339_343delTTTAT, p.Leu114Terfs (NM_001009944.2); c.341_345delTATTT (NM_001009944.2); c.341_345del (NM_001009944.2).
Identifiers: ClinVar variation 3254857 (VCV003254857.3), dbSNP rs2544884834.
Genomic context (GRCh38, chr16:2,119,127, plus strand): 5'-GGGGCCTGGGGTCCAGCCAGGACCCCACCCAAAGAACCACAACTTACATTTCACTTAAAT[TAAATA>T]AATTAGCAAATATTCCTTCTTCTAACGTAGAAATCTTGTTGTTGCTTATATCCCTGGAAG-3'